The following is an entry in ClinVar:

ClinVar aggregate classification (germline): Uncertain significance. Review status: criteria provided, multiple submitters, no conflicts (2 of 4 stars). 2 submissions from 2 submitters: Uncertain significance (2). Last evaluated 2025-12-04.

Allele frequency attached by ClinVar (database versions not stated): gnomAD exomes below 0.00001; ExAC 0.00001.
gnomAD v4.1: 1 of 1,613,164 alleles (0.000062%); highest among the groups gnomAD compares: East Asian, 0.0022%; no homozygotes.

Submissions (2):

Women's Health and Genetics/Laboratory Corporation of America, LabCorp
Classification: Uncertain significance. Last evaluated: 2025-12-04. Review status: criteria provided, single submitter. Criteria: LabCorp Variant Classification Summary - May 2015. Collection method: clinical testing. Allele origin: germline.
Comment: Variant summary: IDUA c.535A>T (p.Thr179Ser) results in a conservative amino acid change in the encoded protein sequence. Algorithms developed to predict the effect of missense changes on protein structure and function are either unavailable or do not agree on the potential impact of this missense change. The variant allele was found at a frequency of 4e-06 in 250940 control chromosomes. To our knowledge, no occurrence of c.535A>T in individuals affected with IDUA-related conditions and no experimental evidence demonstrating its impact on protein function have been reported. A different variant affecting the same codon has been classified as pathogenic by our lab (c.536C>G, p.Thr179Arg) and another likely pathogenic/pathogenic variant affecting the same codon (c.536C>T, p.Thr179Met) has been reported in the literature (PMID: 32670797), supporting the critical relevance of codon 179 to IDUA protein function. ClinVar contains an entry for this variant (Variation ID: 2689237). Based on the evidence outlined above, the variant was classified as uncertain significance.

Revvity Omics, Revvity
Classification: Uncertain significance. Last evaluated: 2023-05-04. Review status: criteria provided, single submitter. Criteria: ACMG Guidelines, 2015. Collection method: clinical testing. Allele origin: germline.

NM_000203.5(IDUA):c.535A>T (p.Thr179Ser)

Gene: IDUA (alpha-L-iduronidase; plus strand). Cytogenetic location: 4p16.3.
Variant type: single nucleotide variant.
Coding change: c.535A>T on transcript NM_000203.5 (MANE Select); coding-DNA position 535, A replaced by T.
Protein change: p.Thr179Ser; replaces threonine 179 with serine.
Molecular consequence: missense variant. On other transcripts: non-coding transcript variant (1).
Genome position (GRCh38, 1-based): chr4:1,001,509, A>T. VCF-style: chr4-1001509-A-T. GRCh37 (hg19) VCF-style: chr4-995297-A-T.
Other names: c.139A>T, p.Thr47Ser (NM_001363576.1); short protein forms T179S, T47S.
Identifiers: ClinVar variation 2689237 (VCV002689237.3), dbSNP rs766030255, ClinGen allele CA2801985.